The following is an entry in ClinVar:

NM_005666.4(CFHR2):c.31T>C (p.Ser11Pro)

Gene: CFHR2 (complement factor H related 2; plus strand). Cytogenetic location: 1q31.3.
Variant type: single nucleotide variant.
Coding change: c.31T>C on transcript NM_005666.4 (MANE Select); coding-DNA position 31, T replaced by C.
Protein change: p.Ser11Pro; replaces serine 11 with proline.
Molecular consequence: missense variant.
Genome position (GRCh38, 1-based): chr1:196,943,911, T>C. VCF-style: chr1-196943911-T-C. GRCh37 (hg19) VCF-style: chr1-196913041-T-C.
Other names: p.Ser11Pro; c.31T>C, p.Ser11Pro (NM_001312672.1, NM_001410924.1); short protein forms S11P.
Identifiers: ClinVar variation 2682705 (VCV002682705.1), dbSNP rs1476183056, ClinGen allele CA343982975.

ClinVar aggregate classification (germline): Uncertain significance (1 of 4 stars; one submission).

Submission:

Mayo Clinic Laboratories, Mayo Clinic
Classification: Uncertain significance. Last evaluated: 2022-09-26. Review status: criteria provided, single submitter. Criteria: ACMG Guidelines, 2015. Collection method: clinical testing. Allele origin: germline. Observed: 2 variant alleles.
Comment: BP4